The following is an entry in ClinVar:

ClinVar aggregate classification (germline): Uncertain significance (1 of 4 stars; one submission).

Submission:

Labcorp Genetics (formerly Invitae), Labcorp
Classification: Uncertain significance. Last evaluated: 2025-07-13. Review status: criteria provided, single submitter. Criteria: Invitae Variant Classification Sherloc (09022015). Collection method: clinical testing. Allele origin: germline.
Comment: This sequence change replaces phenylalanine, which is neutral and non-polar, with cysteine, which is neutral and slightly polar, at codon 331 of the NFKB1 protein (p.Phe331Cys). This variant is not present in population databases (gnomAD no frequency). This variant has not been reported in the literature in individuals affected with NFKB1-related conditions. ClinVar contains an entry for this variant (Variation ID: 2872553). Invitae Evidence Modeling of protein sequence and biophysical properties (such as structural, functional, and spatial information, amino acid conservation, physicochemical variation, residue mobility, and thermodynamic stability) indicates that this missense variant is not expected to disrupt NFKB1 protein function with a negative predictive value of 80%. In summary, the available evidence is currently insufficient to determine the role of this variant in disease. Therefore, it has been classified as a Variant of Uncertain Significance.

NM_003998.4(NFKB1):c.992T>G (p.Phe331Cys)

Gene: NFKB1 (nuclear factor kappa B subunit 1; plus strand). Cytogenetic location: 4q24.
Variant type: single nucleotide variant.
Coding change: c.992T>G on transcript NM_003998.4 (MANE Select); coding-DNA position 992, T replaced by G.
Protein change: p.Phe331Cys; replaces phenylalanine 331 with cysteine.
Molecular consequence: missense variant.
Genome position (GRCh38, 1-based): chr4:102,584,746, T>G. VCF-style: chr4-102584746-T-G. GRCh37 (hg19) VCF-style: chr4-103505903-T-G.
Other names: c.989T>G, p.Phe330Cys (NM_001165412.2, NM_001319226.2, NM_001382627.1); c.992T>G, p.Phe331Cys (NM_001382625.1, NM_001382626.1); c.950T>G, p.Phe317Cys (NM_001382628.1); short protein forms F317C, F330C, F331C.
Identifiers: ClinVar variation 2872553 (VCV002872553.3), dbSNP rs2476447289, ClinGen allele CA357960914.